The following is an entry in ClinVar:

ClinVar aggregate classification (germline): Likely benign. Review status: criteria provided, multiple submitters, no conflicts (2 of 4 stars). 2 submissions from 2 submitters: Likely benign (2). Last evaluated 2025-11-03.

Conditions:
POLD1-related polyposis and colorectal cancer syndrome (CRCS10). Also called: Colorectal cancer 10; Colorectal cancer, susceptibility to, 10; COLORECTAL CANCER, SUSCEPTIBILITY TO, ON CHROMOSOME 19q. Identifiers: Orphanet 220460, MedGen C2675481, MONDO:0012953, OMIM 612591.

Allele frequency attached by ClinVar (database versions not stated): gnomAD exomes below 0.00001.
gnomAD v4.1: 1 of 1,610,794 alleles (0.000062%); highest among the groups gnomAD compares: Non-Finnish European, 0.000085%; no homozygotes.

Submissions (2):

Labcorp Genetics (formerly Invitae), Labcorp
Classification: Likely benign for POLD1-related polyposis and colorectal cancer syndrome. Last evaluated: 2025-11-03. Review status: criteria provided, single submitter. Criteria: Invitae Variant Classification Sherloc (09022015). Collection method: clinical testing. Allele origin: germline.

Myriad Genetics, Inc.
Classification: Likely benign for POLD1-related polyposis and colorectal cancer syndrome. Last evaluated: 2025-02-06. Review status: criteria provided, single submitter. Criteria: Myriad Autosomal Dominant, Autosomal Recessive and X-Linked Classification Criteria (2023). Collection method: clinical testing. Allele origin: unknown.
Comment: This variant is considered likely benign. This variant is intronic and is not expected to impact mRNA splicing.

NM_002691.4(POLD1):c.1243-9C>T

Gene: POLD1 (DNA polymerase delta 1, catalytic subunit; plus strand). Cytogenetic location: 19q13.33.
Variant type: single nucleotide variant.
Coding change: c.1243-9C>T on transcript NM_002691.4 (MANE Select); 9 bases into the intron before coding-DNA position 1243, C replaced by T.
Molecular consequence: intron variant.
Genome position (GRCh38, 1-based): chr19:50,406,173, C>T. VCF-style: chr19-50406173-C-T. GRCh37 (hg19) VCF-style: chr19-50909430-C-T.
Other names: c.1243-9C>T (NM_001256849.1, NM_001308632.1).
Identifiers: ClinVar variation 2698595 (VCV002698595.4), dbSNP rs2038870111, ClinGen allele CA996801692.